The following is an entry in ClinVar:

NM_001165963.4(SCN1A):c.3053G>A (p.Arg1018Lys)

Gene: SCN1A (sodium voltage-gated channel alpha subunit 1; minus strand). Cytogenetic location: 2q24.3.
Variant type: single nucleotide variant.
Coding change: c.3053G>A on transcript NM_001165963.4 (MANE Select); coding-DNA position 3053, G replaced by A.
Protein change: p.Arg1018Lys; replaces arginine 1018 with lysine.
Molecular consequence: missense variant. On other transcripts: non-coding transcript variant (1).
Genome position (GRCh38, 1-based): chr2:166,036,424, C>T on the plus strand (G>A on the coding strand, the complement: SCN1A is on the minus strand). VCF-style: chr2-166036424-C-T. GRCh37 (hg19) VCF-style: chr2-166892934-C-T.
Other names: c.2969G>A, p.Arg990Lys (NM_001165964.3, NM_001353957.2, NM_001353958.2); c.3053G>A, p.Arg1018Lys (NM_001202435.3, NM_001353948.2); c.3020G>A, p.Arg1007Lys (NM_001353949.2, NM_001353950.2, NM_001353951.2 and 2 more transcripts); c.3017G>A, p.Arg1006Lys (NM_001353954.2, NM_001353955.2); c.2966G>A, p.Arg989Lys (NM_001353960.2); c.611G>A, p.Arg204Lys (NM_001353961.2); short protein forms R1006K, R1007K, R1018K, R204K, R989K, R990K.
Identifiers: ClinVar variation 1254924 (VCV001254924.2), dbSNP rs745930061, ClinGen allele CA1943015.
Genomic context (GRCh38, chr2:166,036,424, plus strand): 5'-AAGGACTGTTGAATAAATTCATATATTTTTCTTTTCACATAAGCTACTCCTTTGTGCATC[C>T]TATCCACAGCAATTTGGAGATTATTCATTTCATTATCATCATCAGTGGCTGCAAGGTTGT-3'
Protein context (NP_001159435.1, residues 1008-1028): EMNNLQIAVD[Arg1018Lys]MHKGVAYVKR

ClinVar aggregate classification (germline): Uncertain significance (1 of 4 stars; one submission).

Allele frequency attached by ClinVar (database versions not stated): gnomAD 0.00001; gnomAD exomes 0.00001 and 0.00002; TOPMed 0.00001; ExAC 0.00002.
gnomAD v4.1: 12 of 1,605,714 alleles (0.00075%); highest among the groups gnomAD compares: East Asian, 0.022%; no homozygotes.

Submission:

GeneDx
Classification: Uncertain significance. Last evaluated: 2021-06-21. Review status: criteria provided, single submitter. Criteria: GeneDx Variant Classification Process June 2021. Collection method: clinical testing. Allele origin: germline. Affected: yes.
Comment: Reported previously in the heterozygous state in a patient with atrioventricular nodal reentry tachycardia (Luo et al., 2020); however, specific clinical information was not provided; This substitution is predicted to be within the cytoplasmic loop between the second and third homologous domains; Missense variants in this gene are often considered pathogenic (Stenson et al., 2014); In silico analysis supports that this missense variant has a deleterious effect on protein structure/function; This variant is associated with the following publications: (PMID: 20831750, 32508047, 27535533, 24077912)